The following is an entry in ClinVar:

NM_006946.4(SPTBN2):c.763G>T (p.Asp255Tyr)

Gene: SPTBN2 (spectrin beta, non-erythrocytic 2; minus strand). Cytogenetic location: 11q13.2.
Variant type: single nucleotide variant.
Coding change: c.763G>T on transcript NM_006946.4 (MANE Select); coding-DNA position 763, G replaced by T.
Protein change: p.Asp255Tyr; replaces aspartic acid 255 with tyrosine.
Molecular consequence: missense variant.
Genome position (GRCh38, 1-based): chr11:66,713,640, C>A on the plus strand (G>T on the coding strand, the complement: SPTBN2 is on the minus strand). VCF-style: chr11-66713640-C-A. GRCh37 (hg19) VCF-style: chr11-66481111-C-A.
Other names: c.784G>T, p.Asp262Tyr (NM_001411025.1); c.763G>T, p.Asp255Tyr (NM_001437541.1); short protein forms D255Y, D262Y.
Identifiers: ClinVar variation 4850133 (VCV004850133.1).

ClinVar aggregate classification (germline): Likely pathogenic (1 of 4 stars; one submission).

Conditions:
Spinocerebellar ataxia type 5 (SCA5). Identifiers: Orphanet 98766, MedGen C0752123, MONDO:0010848, OMIM 600224.

Submission:

Variantyx, Inc.
Classification: Likely pathogenic for Spinocerebellar ataxia type 5. Last evaluated: 2026-01-21. Review status: criteria provided, single submitter. Criteria: Variantyx Assertion Criteria 2022. Collection method: clinical testing. Allele origin: de novo. Inheritance: Autosomal dominant inheritance. Affected: yes.
Comment: This is a nonsynonymous variant in the SPTBN2 gene (OMIM: 604985). Pathogenic variants in this gene have been associated with autosomal dominant spinocerebellar ataxia 5. It lies within a known hotspot for pathogenic variants or a well-established critical functional domain of the SPTBN2 protein (PMID: 34211179, 26883385) (PM1) ands multiple computational algorithms predict a deleterious effect for this variant (REVEL score: 0.919) (PP3). It is absent from control populations (PM2) and has not been reported in individuals with SPTBN2-related disorders in the databases available for review. Based on the current evidence, this variant is classified as likely pathogenic for autosomal dominant spinocerebellar ataxia 5.

Literature cited by the submitters: PubMed 34211179; PubMed 26883385.